The following is an entry in ClinVar:

ClinVar aggregate classification (germline): Uncertain significance (1 of 4 stars; one submission).

Conditions:
Hypogonadotropic hypogonadism 2 with or without anosmia (HH2). Also called: HYPOGONADOTROPIC HYPOGONADISM 2 WITHOUT ANOSMIA; HYPOGONADOTROPIC HYPOGONADISM 2 WITH OR WITHOUT ANOSMIA, SUSCEPTIBILITY TO; HYPOGONADOTROPIC HYPOGONADISM 2 WITHOUT ANOSMIA, SUSCEPTIBILITY TO; FGFR1-Related GnRH Deficiency (Kallmann Syndrome 2). Identifiers: Orphanet 478, MedGen C1563720, MONDO:0007844, OMIM 147950. Disease mechanism: loss of function.

Submission:

Department of Pediatrics, Asan Medical Center, University of Ulsan College of Medicine
Classification: Uncertain significance for Hypogonadotropic hypogonadism 2 with or without anosmia. Last evaluated: 2026-07-19. Review status: criteria provided, single submitter. Criteria: ACMG Guidelines, 2015. Collection method: research. Allele origin: germline. Inheritance: Autosomal dominant inheritance. Affected: yes. Observed: 1 heterozygote.
Comment: ACMG/AMP evidence codes: PM2_Supporting, PM5, PP3, PP2. In silico predictions: CADD 32, PolyPhen-2 probably damaging, SIFT damaging, REVEL 0.801, MutationTaster disease causing. Not found in gnomAD. Novel variant.

NM_023110.3(FGFR1):c.143G>A (p.Gly48Asp)

Gene: FGFR1 (fibroblast growth factor receptor 1; minus strand). Cytogenetic location: 8p11.23.
Variant type: single nucleotide variant.
Coding change: c.143G>A on transcript NM_023110.3 (MANE Select); coding-DNA position 143, G replaced by A.
Protein change: p.Gly48Asp; replaces glycine 48 with aspartic acid.
Molecular consequence: missense variant. On other transcripts: intron variant (5).
Genome position (GRCh38, 1-based): chr8:38,429,897, C>T on the plus strand (G>A on the coding strand, the complement: FGFR1 is on the minus strand). VCF-style: chr8-38429897-C-T. GRCh37 (hg19) VCF-style: chr8-38287415-C-T.
Other names: c.92-1462G>A (NM_001354368.2, NM_001354370.2, NM_023106.3 and 2 more transcripts); c.143G>A, p.Gly48Asp (NM_001174063.2, NM_001174065.2, NM_001354367.2 and 3 more transcripts); c.119G>A, p.Gly40Asp (NM_001174064.2); c.242G>A, p.Gly81Asp (NM_001174067.2); short protein forms G40D, G48D, G81D.
Identifiers: ClinVar variation 4879460 (VCV004879460.1).